The following is an entry in ClinVar:

ClinVar aggregate classification (germline): Uncertain significance (1 of 4 stars; one submission).

Conditions:
Cortical dysplasia-focal epilepsy syndrome (PTHSL1). Also called: Pitt-Hopkins-like syndrome 1. Identifiers: Orphanet 163681, Orphanet 221150, MedGen C2750246, MONDO:0012400, OMIM 610042.

Submission:

Labcorp Genetics (formerly Invitae), Labcorp
Classification: Uncertain significance for Cortical dysplasia-focal epilepsy syndrome. Last evaluated: 2018-11-08. Review status: criteria provided, single submitter. Criteria: Invitae Variant Classification Sherloc (09022015). Collection method: clinical testing. Allele origin: germline.
Comment: In summary, the available evidence is currently insufficient to determine the role of this variant in disease. Therefore, it has been classified as a Variant of Uncertain Significance. Experimental studies and prediction algorithms are not available for this variant, and the functional significance of the deleted amino acids is currently unknown. Deletion of exon 23 has not been reported in the literature in individuals with CNTNAP2-related disease. This variant is an in-frame deletion of the genomic region encompassing exon 23 of the CNTNAP2 gene. It preserves the integrity of the reading frame.

NC_000007.14:g.(?_148409371)_(148409491_?)del

Gene: CNTNAP2 (contactin associated protein 2; plus strand). Cytogenetic location: 7q36.1.
Variant type: Deletion.
Identifiers: ClinVar variation 536342 (VCV000536342.9).